The following is an entry in ClinVar:

ClinVar aggregate classification (germline): Uncertain significance (1 of 4 stars; one submission).

Submission:

Labcorp Genetics (formerly Invitae), Labcorp
Classification: Uncertain significance. Last evaluated: 2025-08-04. Review status: criteria provided, single submitter. Criteria: Invitae Variant Classification Sherloc (09022015). Collection method: clinical testing. Allele origin: germline.
Comment: This sequence change replaces isoleucine, which is neutral and non-polar, with asparagine, which is neutral and polar, at codon 437 of the FZD4 protein (p.Ile437Asn). This variant is not present in population databases (gnomAD no frequency). This variant has not been reported in the literature in individuals affected with FZD4-related conditions. Invitae Evidence Modeling of protein sequence and biophysical properties (such as structural, functional, and spatial information, amino acid conservation, physicochemical variation, residue mobility, and thermodynamic stability) has been performed for this missense variant. However, the output from this modeling did not meet the statistical confidence thresholds required to predict the impact of this variant on FZD4 protein function. In summary, the available evidence is currently insufficient to determine the role of this variant in disease. Therefore, it has been classified as a Variant of Uncertain Significance.

NM_012193.4(FZD4):c.1310T>A (p.Ile437Asn)

Genes: FZD4 (frizzled class receptor 4; minus strand), PRSS23 (serine protease 23; plus strand). Cytogenetic location: 11q14.2.
Variant type: single nucleotide variant.
Coding change: c.1310T>A on transcript NM_012193.4 (MANE Select); coding-DNA position 1310, T replaced by A.
Protein change: p.Ile437Asn; replaces isoleucine 437 with asparagine.
Molecular consequence: missense variant. On other transcripts: non-coding transcript variant (2).
Genome position (GRCh38, 1-based): chr11:86,951,446, A>T on the plus strand (T>A on the coding strand, the complement: FZD4 is on the minus strand). VCF-style: chr11-86951446-A-T. GRCh37 (hg19) VCF-style: chr11-86662488-A-T.
Other names: short protein forms I437N.
Identifiers: ClinVar variation 4779427 (VCV004779427.1).